The following is an entry in ClinVar:

NM_014297.5(ETHE1):c.247G>A (p.Asp83Asn)

Gene: ETHE1 (ETHE1 persulfide dioxygenase; minus strand). Cytogenetic location: 19q13.31.
Variant type: single nucleotide variant.
Coding change: c.247G>A on transcript NM_014297.5 (MANE Select); coding-DNA position 247, G replaced by A.
Protein change: p.Asp83Asn; replaces aspartic acid 83 with asparagine.
Molecular consequence: missense variant. On other transcripts: intron variant (3).
Genome position (GRCh38, 1-based): chr19:43,526,329, C>T on the plus strand (G>A on the coding strand, the complement: ETHE1 is on the minus strand). VCF-style: chr19-43526329-C-T. GRCh37 (hg19) VCF-style: chr19-44030481-C-T.
Other names: c.81+768G>A (NM_001320869.2); c.6+186G>A (NM_001320868.2); c.227-13G>A (NM_001320867.2); short protein forms D83N.
Identifiers: ClinVar variation 1523724 (VCV001523724.3), dbSNP rs2146019088, ClinGen allele CA406179988.

ClinVar aggregate classification (germline): Uncertain significance (1 of 4 stars; one submission).

Conditions:
Ethylmalonic encephalopathy (EE). Also called: Syndrome of encephalopathy, petechiae, and ethylmalonic aciduria; EPEMA syndrome; Encephalopathy, petechiae, and ethylmalonic aciduria. Identifiers: Orphanet 51188, MedGen C1865349, MONDO:0011229, OMIM 602473. Disease mechanism: loss of function.

Submission:

Labcorp Genetics (formerly Invitae), Labcorp
Classification: Uncertain significance for Ethylmalonic encephalopathy. Last evaluated: 2021-12-02. Review status: criteria provided, single submitter. Criteria: Invitae Variant Classification Sherloc (09022015). Collection method: clinical testing. Allele origin: germline.
Comment: This sequence change replaces aspartic acid, which is acidic and polar, with asparagine, which is neutral and polar, at codon 83 of the ETHE1 protein (p.Asp83Asn). This variant is not present in population databases (gnomAD no frequency). This variant has not been reported in the literature in individuals affected with ETHE1-related conditions. Advanced modeling of protein sequence and biophysical properties (such as structural, functional, and spatial information, amino acid conservation, physicochemical variation, residue mobility, and thermodynamic stability) performed at Invitae indicates that this missense variant is expected to disrupt ETHE1 protein function. In summary, the available evidence is currently insufficient to determine the role of this variant in disease. Therefore, it has been classified as a Variant of Uncertain Significance.